The following is an entry in ClinVar:

ClinVar aggregate classification (germline): Pathogenic (1 of 4 stars; one submission).

Conditions:
Nephronophthisis. Also called: Juvenile Nephronophthisis. Identifiers: Orphanet 655, MedGen C0687120, MONDO:0019005, HP:0000090.

Submission:

Labcorp Genetics (formerly Invitae), Labcorp
Classification: Pathogenic for Nephronophthisis. Last evaluated: 2024-02-01. Review status: criteria provided, single submitter. Criteria: Invitae Variant Classification Sherloc (09022015). Collection method: clinical testing. Allele origin: germline.
Comment: This sequence change creates a premature translational stop signal (p.Gln23*) in the NPHP1 gene. It is expected to result in an absent or disrupted protein product. Loss-of-function variants in NPHP1 are known to be pathogenic (PMID: 23559409). This variant is not present in population databases (gnomAD no frequency). This variant has not been reported in the literature in individuals affected with NPHP1-related conditions. For these reasons, this variant has been classified as Pathogenic.

Literature cited by the submitters: PubMed 23559409.

NM_001128178.3(NPHP1):c.67C>T (p.Gln23Ter)

Gene: NPHP1 (nephrocystin 1; minus strand). Cytogenetic location: 2q13.
Variant type: single nucleotide variant.
Coding change: c.67C>T on transcript NM_001128178.3 (MANE Select); coding-DNA position 67, C replaced by T.
Protein change: p.Gln23Ter; replaces glutamine 23 with a stop codon.
Molecular consequence: nonsense.
Genome position (GRCh38, 1-based): chr2:110,204,902, G>A on the plus strand (C>T on the coding strand, the complement: NPHP1 is on the minus strand). VCF-style: chr2-110204902-G-A. GRCh37 (hg19) VCF-style: chr2-110962479-G-A.
Other names: c.67C>T, p.Gln23Ter (NM_000272.5, NM_001128179.3, NM_001374256.1 and 2 more transcripts); short protein forms Q23*.
Identifiers: ClinVar variation 3622101 (VCV003622101.2).
Genomic context (GRCh38, chr2:110,204,902, plus strand): 5'-CGCGCAGCTGCGTCCGCCTGTCGCCCGCCCCAGGGCCCTCTGCACAGCCTGACCATACCT[G>A]TTGCTTCAGCTCCTGATTGCGGCGCCGCAGGGCCTGGAGAGGATCTCGCTGTCGTCTCGC-3'